The following is an entry in ClinVar:

ClinVar aggregate classification (germline): Conflicting classifications of pathogenicity. Review status: criteria provided, conflicting classifications (1 of 4 stars). 5 submissions from 5 submitters: Uncertain significance (1); Benign (1); Likely benign (2). 1 of the submissions does not count toward it. Last evaluated 2025-12-17.

Conditions:
Cardiac anomalies - developmental delay - facial dysmorphism syndrome (MRFACD). Also called: MED13L Syndrome; Impaired intellectual development and distinctive facial features with or without cardiac defects. Identifiers: Orphanet 369891, MedGen C5192431, MONDO:0014773, OMIM 616789.
Dextro-looped transposition of the great arteries. Also called: Dextrotransposition of the great arteries. Identifiers: Orphanet 860, MedGen C3531771, MONDO:0019443, OMIM 608808, HP:0031348.
MED13L-related disorder. Also called: MED13L-related condition.
Inborn genetic diseases. Identifiers: MedGen C0950123, MeSH D030342.

Allele frequency attached by ClinVar (database versions not stated): gnomAD 0.00001; TOPMed 0.00006; ExAC 0.00013; gnomAD exomes 0.00015; 1000 Genomes Project 30x 0.00016; 1000 Genomes Project 0.00020.
gnomAD v4.1: 54 of 1,613,974 alleles (0.0033%); highest among the groups gnomAD compares: Admixed American, 0.067%; no homozygotes.

Submissions (5):

Labcorp Genetics (formerly Invitae), Labcorp
Classification: Likely benign for Dextro-looped transposition of the great arteries. Last evaluated: 2025-12-17. Review status: criteria provided, single submitter. Criteria: Invitae Variant Classification Sherloc (09022015). Collection method: clinical testing. Allele origin: germline.

Ambry Genetics
Classification: Likely benign for Inborn genetic diseases. Last evaluated: 2024-09-30. Review status: criteria provided, single submitter. Criteria: Ambry Variant Classification Scheme 2023. Collection method: clinical testing. Allele origin: germline.

GeneDx
Classification: Benign. Last evaluated: 2020-03-02. Review status: criteria provided, single submitter. Criteria: GeneDx Variant Classification Process June 2021. Collection method: clinical testing. Allele origin: germline. Affected: yes.

CENTOGENE GmbH and LLC - Guiding Precision Medicine
Classification: Uncertain significance for Cardiac anomalies - developmental delay - facial dysmorphism syndrome. Last evaluated: 2018-06-12. Review status: criteria provided, single submitter. Criteria: ACMG Guidelines, 2015. Collection method: clinical testing. Allele origin: germline. Affected: yes.

PreventionGenetics, part of Exact Sciences
Classification: Likely benign for MED13L-related condition. Last evaluated: 2023-05-31. Review status: no assertion criteria provided. Collection method: clinical testing. Allele origin: germline. Not counted in ClinVar's aggregate classification.
Comment: This variant is classified as likely benign based on ACMG/AMP sequence variant interpretation guidelines (Richards et al. 2015 PMID: 25741868, with internal and published modifications).

NM_015335.5(MED13L):c.878C>T (p.Pro293Leu)

Gene: MED13L (mediator complex subunit 13L; minus strand). Cytogenetic location: 12q24.21.
Variant type: single nucleotide variant.
Coding change: c.878C>T on transcript NM_015335.5 (MANE Select); coding-DNA position 878, C replaced by T.
Protein change: p.Pro293Leu; replaces proline 293 with leucine.
Molecular consequence: missense variant.
Genome position (GRCh38, 1-based): chr12:116,019,355, G>A on the plus strand (C>T on the coding strand, the complement: MED13L is on the minus strand). VCF-style: chr12-116019355-G-A. GRCh37 (hg19) VCF-style: chr12-116457160-G-A.
Other names: short protein forms P293L.
Identifiers: ClinVar variation 696310 (VCV000696310.16), dbSNP rs537593859, ClinGen allele CA6811554.